The following is an entry in ClinVar:

ClinVar aggregate classification (germline): Uncertain significance (1 of 4 stars; one submission).

Allele frequency attached by ClinVar (database versions not stated): gnomAD exomes below 0.00001.
gnomAD v4.1: 1 of 1,580,908 alleles (0.000063%); highest among the groups gnomAD compares: Non-Finnish European, 0.000086%; no homozygotes.

Submission:

Labcorp Genetics (formerly Invitae), Labcorp
Classification: Uncertain significance. Last evaluated: 2021-08-09. Review status: criteria provided, single submitter. Criteria: Invitae Variant Classification Sherloc (09022015). Collection method: clinical testing. Allele origin: germline.
Comment: In summary, the available evidence is currently insufficient to determine the role of this variant in disease. Therefore, it has been classified as a Variant of Uncertain Significance. This sequence change replaces arginine with serine at codon 147 of the CNTNAP1 protein (p.Arg147Ser). The arginine residue is highly conserved and there is a moderate physicochemical difference between arginine and serine. This variant is not present in population databases (ExAC no frequency). This variant has not been reported in the literature in individuals affected with CNTNAP1-related conditions. Algorithms developed to predict the effect of missense changes on protein structure and function are either unavailable or do not agree on the potential impact of this missense change (SIFT: "Deleterious"; PolyPhen-2: "Probably Damaging"; Align-GVGD: "Class C0"). Algorithms developed to predict the effect of sequence changes on RNA splicing suggest that this variant may create or strengthen a splice site.

NM_003632.3(CNTNAP1):c.439C>A (p.Arg147Ser)

Gene: CNTNAP1 (contactin associated protein 1; plus strand). Cytogenetic location: 17q21.2.
Variant type: single nucleotide variant.
Coding change: c.439C>A on transcript NM_003632.3 (MANE Select); coding-DNA position 439, C replaced by A.
Protein change: p.Arg147Ser; replaces arginine 147 with serine.
Molecular consequence: missense variant.
Genome position (GRCh38, 1-based): chr17:42,685,066, C>A. VCF-style: chr17-42685066-C-A. GRCh37 (hg19) VCF-style: chr17-40837084-C-A.
Other names: short protein forms R147S.
Identifiers: ClinVar variation 1464794 (VCV001464794.6), dbSNP rs2143647673, ClinGen allele CA399633604.